The following is an entry in ClinVar:

NM_144687.4(NLRP12):c.2755C>T (p.Arg919Trp)

Gene: NLRP12 (NLR family pyrin domain containing 12; minus strand). Cytogenetic location: 19q13.42.
Variant type: single nucleotide variant.
Coding change: c.2755C>T on transcript NM_144687.4 (MANE Select); coding-DNA position 2755, C replaced by T.
Protein change: p.Arg919Trp; replaces arginine 919 with tryptophan.
Molecular consequence: missense variant.
Genome position (GRCh38, 1-based): chr19:53,801,228, G>A on the plus strand (C>T on the coding strand, the complement: NLRP12 is on the minus strand). VCF-style: chr19-53801228-G-A. GRCh37 (hg19) VCF-style: chr19-54304482-G-A.
Other names: c.2758C>T, p.Arg920Trp (NM_001277126.2); c.2755C>T, p.Arg919Trp (NM_001277129.1); short protein forms R919W, R920W.
Identifiers: ClinVar variation 330010 (VCV000330010.29), dbSNP rs61741349, ClinGen allele CA9638940.

ClinVar aggregate classification (germline): Benign/Likely benign. Review status: criteria provided, multiple submitters, no conflicts (2 of 4 stars). 9 submissions from 9 submitters: Benign (8); Likely benign (1). Last evaluated 2026-01-25.

Conditions:
Familial cold autoinflammatory syndrome 2 (FCAS2). Identifiers: Orphanet 247868, MedGen C2673198, MONDO:0012724, OMIM 611762.
Autoinflammatory syndrome. Identifiers: Orphanet 93665, MedGen C3890737, MONDO:0019751.

Allele frequency attached by ClinVar (database versions not stated): gnomAD exomes 0.00172; ExAC 0.00210; 1000 Genomes Project 0.00639; gnomAD 0.00654 and 0.00716; 1000 Genomes Project 30x 0.00687; TOPMed 0.00713; ESP Exome Variant Server 0.00761.

Submissions (9):

Labcorp Genetics (formerly Invitae), Labcorp
Classification: Benign for Familial cold autoinflammatory syndrome 2. Last evaluated: 2026-01-25. Review status: criteria provided, single submitter. Criteria: Invitae Variant Classification Sherloc (09022015). Collection method: clinical testing. Allele origin: germline.

CeGaT Center for Human Genetics Tuebingen
Classification: Benign. Last evaluated: 2025-10-01. Review status: criteria provided, single submitter. Criteria: CeGaT Center For Human Genetics Tuebingen Variant Classification Criteria Version 2. Collection method: clinical testing. Allele origin: germline. Affected: yes. Observed: 3 variant alleles.
Comment: NLRP12: BP4, BS1, BS2

ARUP Laboratories, Molecular Genetics and Genomics, ARUP Laboratories
Classification: Benign for Familial cold autoinflammatory syndrome 2. Last evaluated: 2025-02-13. Review status: criteria provided, single submitter. Criteria: ARUP Molecular Germline Variant Investigation Process 2024. Collection method: clinical testing. Allele origin: germline.

Blueprint Genetics
Classification: Likely benign. Last evaluated: 2024-11-15. Review status: criteria provided, single submitter. Criteria: ACMG Guidelines, 2015. Collection method: clinical testing. Allele origin: germline.

Genome Diagnostics Laboratory, The Hospital for Sick Children
Classification: Benign for Autoinflammatory syndrome. Last evaluated: 2020-03-01. Review status: criteria provided, single submitter. Criteria: ACMG Guidelines, 2015. Collection method: clinical testing. Allele origin: germline. Affected: yes.

Illumina Laboratory Services, Illumina
Classification: Benign for Familial cold autoinflammatory syndrome 2. Last evaluated: 2018-01-13. Review status: criteria provided, single submitter. Criteria: ICSL Variant Classification Criteria 13 December 2019. Collection method: clinical testing. Allele origin: germline.
Comment: This variant was observed in the ICSL laboratory as part of a predisposition screen in an ostensibly healthy population. It had not been previously curated by ICSL or reported in the Human Gene Mutation Database (HGMD: prior to June 1st, 2018), and was therefore a candidate for classification through an automated scoring system. Utilizing variant allele frequency, disease prevalence and penetrance estimates, and inheritance mode, an automated score was calculated to assess if this variant is too frequent to cause the disease. Based on the score and internal cut-off values, a variant classified as benign is not then subjected to further curation. The score for this variant resulted in a classification of benign for this disease.

Clinical Genetics DNA and cytogenetics Diagnostics Lab, Erasmus MC, Erasmus Medical Center
Classification: Benign for Familial cold autoinflammatory syndrome 2. Last evaluated: 2017-06-15. Review status: criteria provided, single submitter. Criteria: ACGS Guidelines, 2013. Collection method: clinical testing. Allele origin: germline. Affected: yes. Study: VKGL Data-share Consensus.

Genome Diagnostics Laboratory, University Medical Center Utrecht
Classification: Benign for Familial cold autoinflammatory syndrome 2. Last evaluated: 2014-10-21. Review status: criteria provided, single submitter. Criteria: ACGS Guidelines, 2013. Collection method: clinical testing. Allele origin: germline. Affected: yes. Study: VKGL Data-share Consensus.

Breakthrough Genomics
Classification: Benign. Review status: criteria provided, single submitter. Criteria: ACMG Guidelines, 2015. Collection method: not provided. Allele origin: germline. Inheritance: Autosomal dominant inheritance. Affected: yes.